The following is an entry in ClinVar:

NM_004415.4(DSP):c.2068_2069del (p.Asn690fs)

Gene: DSP (desmoplakin; plus strand). Cytogenetic location: 6p24.3.
Variant type: Deletion.
Coding change: c.2068_2069del on transcript NM_004415.4 (MANE Select); coding-DNA positions 2068 to 2069, 2 bases deleted (AA; older notation c.2068_2069delAA).
Protein change: p.Asn690fs; shifts the reading frame from asparagine 690.
Molecular consequence: frameshift variant.
Genome position (GRCh38, 1-based): chr6:7,572,006-7,572,007, AA deleted; deleting any 2 consecutive bases within chr6:7,572,003-7,572,007 gives the same sequence; the c. name uses the placement nearest the transcript's 3' end. VCF-style (leftmost placement, unchanged base first): chr6-7572002-CAA-C. GRCh37 (hg19) VCF-style: chr6-7572235-CAA-C.
Other names: c.2068_2069del, p.Asn690fs (NM_001008844.3, NM_001319034.2); short protein forms N690fs.
Identifiers: ClinVar variation 2134929 (VCV002134929.4), dbSNP rs2533897120, ClinGen allele CA2580075401.

ClinVar aggregate classification (germline): Pathogenic (1 of 4 stars; one submission).

Conditions:
Arrhythmogenic right ventricular dysplasia 8 (ARVD8). Also called: ARRHYTHMOGENIC RIGHT VENTRICULAR DYSPLASIA, FAMILIAL, 8; ARRHYTHMOGENIC RIGHT VENTRICULAR CARDIOMYOPATHY 8; Arrhythmogenic Right Ventricular Dysplasia/Cardiomyopathy 8. Identifiers: MedGen C1843896, MONDO:0011831, OMIM 607450.
Arrhythmogenic cardiomyopathy with wooly hair and keratoderma. Also called: Dilated cardiomyopathy with woolly hair and keratoderma; PALMOPLANTAR KERATODERMA WITH LEFT VENTRICULAR CARDIOMYOPATHY AND WOOLLY HAIR; Arrhythmogenic cardiomyopathy with woolly hair and keratoderma; Carvajal syndrome. Identifiers: Orphanet 65282, MedGen C1854063, MONDO:0011581, OMIM 605676.

Submission:

Labcorp Genetics (formerly Invitae), Labcorp
Classification: Pathogenic for Arrhythmogenic cardiomyopathy with wooly hair and keratoderma; Arrhythmogenic right ventricular dysplasia 8. Last evaluated: 2022-07-27. Review status: criteria provided, single submitter. Criteria: Invitae Variant Classification Sherloc (09022015). Collection method: clinical testing. Allele origin: germline.
Comment: For these reasons, this variant has been classified as Pathogenic. This variant has not been reported in the literature in individuals affected with DSP-related conditions. This variant is not present in population databases (gnomAD no frequency). This sequence change creates a premature translational stop signal (p.Asn690Profs*17) in the DSP gene. It is expected to result in an absent or disrupted protein product. Loss-of-function variants in DSP are known to be pathogenic (PMID: 20716751, 24503780, 25227139).

Literature cited by the submitters: PubMed 20716751; PubMed 24503780; PubMed 25227139.